The following is an entry in ClinVar:

NM_004606.5(TAF1):c.2851G>A (p.Val951Met)

Gene: TAF1 (TATA-box binding protein associated factor 1; plus strand). Cytogenetic location: Xq13.1.
Variant type: single nucleotide variant.
Coding change: c.2851G>A on transcript NM_004606.5 (MANE Select); coding-DNA position 2851, G replaced by A.
Protein change: p.Val951Met; replaces valine 951 with methionine.
Molecular consequence: missense variant. On other transcripts: non-coding transcript variant (9).
Genome position (GRCh38, 1-based): chrX:71,392,638, G>A. VCF-style: chrX-71392638-G-A. GRCh37 (hg19) VCF-style: chrX-70612488-G-A.
Other names: c.2851G>A, p.Val951Met (NM_001286074.2, NM_001440852.1, NM_001440853.1); c.2788G>A, p.Val930Met (NM_001440854.1, NM_138923.4); short protein forms V930M, V951M.
Identifiers: ClinVar variation 4179472 (VCV004179472.2).

ClinVar aggregate classification (germline): Uncertain significance (1 of 4 stars; one submission).

Conditions:
Inborn genetic diseases. Identifiers: MedGen C0950123, MeSH D030342.

gnomAD v4.1: 1 of 1,208,429 alleles (0.000083%); highest among the groups gnomAD compares: African/African-American, 0.0017%; no homozygotes.

Submission:

Ambry Genetics
Classification: Uncertain significance for Inborn genetic diseases. Last evaluated: 2025-10-06. Review status: criteria provided, single submitter. Criteria: Ambry Variant Classification Scheme 2023. Collection method: clinical testing. Allele origin: germline.
Comment: The c.2911G>A (p.V971M) alteration is located in exon 19 (coding exon 19) of the TAF1 gene. This alteration results from a G to A substitution at nucleotide position 2911, causing the valine (V) at amino acid position 971 to be replaced by a methionine (M). This variant was not reported in population-based cohorts in the Genome Aggregation Database (gnomAD). This amino acid position is highly conserved in available vertebrate species. This missense alteration is located in a region that has a low rate of benign missense variation (Lek, 2016; Firth, 2009). The in silico prediction for this alteration is inconclusive. Based on insufficient or conflicting evidence, the clinical significance of this alteration remains unclear.